The following is an entry in ClinVar:

NM_144666.3(DNHD1):c.13997T>C (p.Ile4666Thr)

Gene: DNHD1 (dynein heavy chain domain 1; plus strand). Cytogenetic location: 11p15.4.
Variant type: single nucleotide variant.
Coding change: c.13997T>C on transcript NM_144666.3 (MANE Select); coding-DNA position 13997, T replaced by C.
Protein change: p.Ile4666Thr; replaces isoleucine 4666 with threonine.
Molecular consequence: missense variant.
Genome position (GRCh38, 1-based): chr11:6,571,721, T>C. VCF-style: chr11-6571721-T-C. GRCh37 (hg19) VCF-style: chr11-6592951-T-C.
Other names: short protein forms I4666T.
Identifiers: ClinVar variation 623761 (VCV000623761.47), dbSNP rs11604362, ClinGen allele CA5857288.

ClinVar aggregate classification (germline): Likely benign. Review status: criteria provided, multiple submitters, no conflicts (2 of 4 stars). 4 submissions from 4 submitters: Likely benign (3). 1 of the submissions does not count toward it. Last evaluated 2024-11-01.

Conditions:
DNHD1-related disorder. Also called: DNHD1-related condition.

Allele frequency attached by ClinVar (database versions not stated): 1000 Genomes Project 0.00200; 1000 Genomes Project 30x 0.00203; gnomAD 0.00437 and 0.00465; TOPMed 0.00514; gnomAD exomes 0.00520; ESP Exome Variant Server 0.00591; ExAC 0.00609.
gnomAD v4.1: 9,773 of 1,612,482 alleles (0.61%); highest among the groups gnomAD compares: Middle Eastern, 2.6%; 48 homozygotes.

Submissions (4):

CeGaT Center for Human Genetics Tuebingen
Classification: Likely benign. Last evaluated: 2024-11-01. Review status: criteria provided, single submitter. Criteria: CeGaT Center For Human Genetics Tuebingen Variant Classification Criteria Version 2. Collection method: clinical testing. Allele origin: germline. Affected: yes. Observed: 5 variant alleles.
Comment: DNHD1: BP4, BS2

Labcorp Genetics (formerly Invitae), Labcorp
Classification: Likely benign. Last evaluated: 2019-12-31. Review status: criteria provided, single submitter. Criteria: Invitae Variant Classification Sherloc (09022015). Collection method: clinical testing. Allele origin: germline.

Breakthrough Genomics
Classification: Likely benign. Review status: criteria provided, single submitter. Criteria: ACMG Guidelines, 2015. Collection method: not provided. Allele origin: germline. Inheritance: Autosomal recessive inheritance. Affected: yes.

PreventionGenetics, part of Exact Sciences
Classification: Benign for DNHD1-related condition. Last evaluated: 2019-06-07. Review status: no assertion criteria provided. Collection method: clinical testing. Allele origin: germline. Not counted in ClinVar's aggregate classification.
Comment: This variant is classified as benign based on ACMG/AMP sequence variant interpretation guidelines (Richards et al. 2015 PMID: 25741868, with internal and published modifications).